The following is an entry in ClinVar:

NM_014915.3(ANKRD26):c.3980A>G (p.Asp1327Gly)

Gene: ANKRD26 (ankyrin repeat domain 26; minus strand). Cytogenetic location: 10p12.1.
Variant type: single nucleotide variant.
Coding change: c.3980A>G on transcript NM_014915.3 (MANE Select); coding-DNA position 3980, A replaced by G.
Protein change: p.Asp1327Gly; replaces aspartic acid 1327 with glycine.
Molecular consequence: missense variant.
Genome position (GRCh38, 1-based): chr10:27,024,552, T>C on the plus strand (A>G on the coding strand, the complement: ANKRD26 is on the minus strand). VCF-style: chr10-27024552-T-C. GRCh37 (hg19) VCF-style: chr10-27313481-T-C.
Other names: c.3977A>G, p.Asp1326Gly (NM_001256053.2); short protein forms D1326G, D1327G.
Identifiers: ClinVar variation 4859550 (VCV004859550.1).

ClinVar aggregate classification (germline): Uncertain significance (1 of 4 stars; one submission).

Conditions:
Inborn genetic diseases. Identifiers: MedGen C0950123, MeSH D030342.

Submission:

Ambry Genetics
Classification: Uncertain significance for Inborn genetic diseases. Last evaluated: 2026-04-26. Review status: criteria provided, single submitter. Criteria: Ambry Variant Classification Scheme 2023. Collection method: clinical testing. Allele origin: germline.
Comment: The p.D1327G variant (also known as c.3980A>G), located in coding exon 28 of the ANKRD26 gene, results from an A to G substitution at nucleotide position 3980. The aspartic acid at codon 1327 is replaced by glycine, an amino acid with similar properties. This amino acid position is conserved. In addition, this alteration is predicted to be tolerated by in silico analysis. Based on the available evidence, the clinical significance of this variant remains unclear.